The following is an entry in ClinVar:

NM_003745.2(SOCS1):c.604G>A (p.Asp202Asn)

Genes: SOCS1 (suppressor of cytokine signaling 1; minus strand), LOC130058478 (ATAC-STARR-seq lymphoblastoid silent region 7197; plus strand). Cytogenetic location: 16p13.13.
Variant type: single nucleotide variant.
Coding change: c.604G>A on transcript NM_003745.2 (MANE Select); coding-DNA position 604, G replaced by A.
Protein change: p.Asp202Asn; replaces aspartic acid 202 with asparagine.
Molecular consequence: missense variant.
Genome position (GRCh38, 1-based): chr16:11,254,875, C>T on the plus strand (G>A on the coding strand, the complement: SOCS1 is on the minus strand). VCF-style: chr16-11254875-C-T. GRCh37 (hg19) VCF-style: chr16-11348732-C-T.
Other names: NP_003736.1:p.(Asp202Asn); short protein forms D202N.
Identifiers: ClinVar variation 3393334 (VCV003393334.2).
Genomic context (GRCh38, chr16:11,254,875, plus strand): 5'-ATGCTGCGTGCACGGCGGGCGCTGCCGGTCAAATCTGGAAGGGGAAGGAGCTCAGGTAGT[C>T]GCGGAGGACGGGGTTGAGGGGGATGCGAGCCAGGTTCTCGCGGCCCACGGTGGCCACGAT-3'
Protein context (NP_003736.1, residues 192-211): ARIPLNPVLR[Asp202Asn]YLSSFPFQI

ClinVar aggregate classification (germline): Uncertain significance (1 of 4 stars; one submission).

Conditions:
Autoinflammatory syndrome with immunodeficiency. Also called: AUTOINFLAMMATORY SYNDROME, FAMILIAL, WITH OR WITHOUT IMMUNODEFICIENCY. Identifiers: MedGen C5543547, MONDO:0800130, OMIM 619375.

Submission:

Paediatric Laboratory, Institute for Maternal and Child Health - IRCCS Burlo Garofolo
Classification: Uncertain significance for Autoinflammatory syndrome with immunodeficiency. Last evaluated: 2024-12-02. Review status: criteria provided, single submitter. Criteria: ACMG Guidelines, 2015. Collection method: clinical testing. Allele origin: germline.
Comment: The NM_003745.2:c.604G>A variant is predicted to cause the substitution of the aspartic acid residue at position 202 with an asparagine. This variant has been identified in three individuals in the gnomAD v4.1.0 database but has not been previously reported in ClinVar or LOVD. It does not meet any ACMG criteria for either pathogenicity or benign impact, and is thus classified as a variant of unknown significance (VUS).